The following is an entry in ClinVar:

NM_138694.4(PKHD1):c.852del (p.Phe284fs)

Gene: PKHD1 (PKHD1 ciliary IPT domain containing fibrocystin/polyductin; minus strand). Cytogenetic location: 6p12.2.
Variant type: Deletion.
Coding change: c.852del on transcript NM_138694.4 (MANE Select); coding-DNA position 852, one base deleted (T; older notation c.852delT).
Protein change: p.Phe284fs; shifts the reading frame from phenylalanine 284.
Molecular consequence: frameshift variant.
Genome position (GRCh38, 1-based): chr6:52,066,004, A deleted on the plus strand (T on the coding strand, the reverse complement: PKHD1 is on the minus strand); the first of 6 consecutive A bases (chr6:52,066,004-52,066,009); deleting any one gives the same sequence. VCF-style (leftmost placement, unchanged base first): chr6-52066003-CA-C. GRCh37 (hg19) VCF-style: chr6-51930801-CA-C.
Other names: c.852del, p.Phe284fs (NM_170724.3); short protein forms F284fs.
Identifiers: ClinVar variation 4816775 (VCV004816775.1).
Genomic context (GRCh38, chr6:52,066,003, plus strand): 5'-ATGAACTATTTTCAGCCATTTCATCATAGTTACCTGCAATGGTAACCTGGGCAGAATTGT[CA>C]AAAAAGTCTCCTGTAATTGTGATGTTTGTTCTTCCCCCAAGGCTCCCAGTTTCTGGAAAC-3'

ClinVar aggregate classification (germline): Likely pathogenic (1 of 4 stars; one submission).

Conditions:
Autosomal recessive polycystic kidney disease (ARPKD). Also called: AR polycystic kidney disease. Identifiers: Orphanet 731, Orphanet 8378, MedGen C0085548, MeSH D017044, MONDO:0009889.

Submission:

Natera, Inc.
Classification: Likely pathogenic for Autosomal recessive polycystic kidney disease. Last evaluated: 2025-06-23. Review status: criteria provided, single submitter. Criteria: Natera Variant Classification Schema (03/2026). Collection method: clinical testing. Allele origin: germline.
Comment: The c.852del variant in PKHD1 is a frameshift variant predicted to shift the reading frame beginning at codon 284 and leads to a stop codon 35 codons downstream. This variant is expected to result in nonsense mediated decay, truncation, or a dysfunctional protein product. This variant is rare in the general population with a frequency below the threshold expected for the associated phenotype(s). Given the available evidence, this variant is classified as Likely Pathogenic.